The following is an entry in ClinVar:

ClinVar aggregate classification (germline): Uncertain significance (1 of 4 stars; one submission).

Allele frequency attached by ClinVar (database versions not stated): TOPMed 0.00001; gnomAD 0.00002; gnomAD exomes 0.00002; ExAC 0.00003; 1000 Genomes Project 0.00060; 1000 Genomes Project 30x 0.00062.
gnomAD v4.1: 40 of 1,614,034 alleles (0.0025%); highest among the groups gnomAD compares: South Asian, 0.016%; 2 homozygotes.

Submission:

Labcorp Genetics (formerly Invitae), Labcorp
Classification: Uncertain significance. Last evaluated: 2022-06-01. Review status: criteria provided, single submitter. Criteria: Invitae Variant Classification Sherloc (09022015). Collection method: clinical testing. Allele origin: germline.
Comment: In summary, the available evidence is currently insufficient to determine the role of this variant in disease. Therefore, it has been classified as a Variant of Uncertain Significance. Algorithms developed to predict the effect of missense changes on protein structure and function are either unavailable or do not agree on the potential impact of this missense change (SIFT: "Deleterious"; PolyPhen-2: "Probably Damaging"; Align-GVGD: "Class C15"). This variant has not been reported in the literature in individuals affected with ANLN-related conditions. This variant is present in population databases (rs569378477, gnomAD 0.01%). This sequence change replaces arginine, which is basic and polar, with cysteine, which is neutral and slightly polar, at codon 652 of the ANLN protein (p.Arg652Cys).

NM_018685.5(ANLN):c.1954C>T (p.Arg652Cys)

Gene: ANLN (anillin, actin binding protein; plus strand). Cytogenetic location: 7p14.2.
Variant type: single nucleotide variant.
Coding change: c.1954C>T on transcript NM_018685.5 (MANE Select); coding-DNA position 1954, C replaced by T.
Protein change: p.Arg652Cys; replaces arginine 652 with cysteine.
Molecular consequence: missense variant.
Genome position (GRCh38, 1-based): chr7:36,420,253, C>T. VCF-style: chr7-36420253-C-T. GRCh37 (hg19) VCF-style: chr7-36459862-C-T.
Other names: c.1843C>T, p.Arg615Cys (NM_001284301.3); c.1840C>T, p.Arg614Cys (NM_001284302.3); short protein forms R652C, R615C, R614C.
Identifiers: ClinVar variation 1905976 (VCV001905976.5), dbSNP rs569378477, ClinGen allele CA4219732.